The following is an entry in ClinVar:

NM_144997.7(FLCN):c.512G>A (p.Ser171Asn)

Gene: FLCN (folliculin; minus strand). Cytogenetic location: 17p11.2.
Variant type: single nucleotide variant.
Coding change: c.512G>A on transcript NM_144997.7 (MANE Select); coding-DNA position 512, G replaced by A.
Protein change: p.Ser171Asn; replaces serine 171 with asparagine.
Molecular consequence: missense variant.
Genome position (GRCh38, 1-based): chr17:17,224,028, C>T on the plus strand (G>A on the coding strand, the complement: FLCN is on the minus strand). VCF-style: chr17-17224028-C-T. GRCh37 (hg19) VCF-style: chr17-17127342-C-T.
Other names: c.566G>A, p.Ser189Asn (NM_001353229.2); c.512G>A, p.Ser171Asn (NM_001353230.2, NM_001353231.2, NM_144606.7); short protein forms S171N, S189N.
Identifiers: ClinVar variation 3515626 (VCV003515626.1).
Genomic context (GRCh38, chr17:17,224,028, plus strand): 5'-CCCAGCAGGAAGGGCCAGGAGTTGATGAGGTAGATCCGGTCCATCATGATGGTGATGATG[C>T]TGTACCAGCGCTGGAAGCCCCTGGCCAGGCTGTCCTTGATGAAGAAGGTGTGGCTGAACA-3'
Protein context (NP_659434.2, residues 161-181): SLARGFQRWY[Ser171Asn]IITIMMDRIY

ClinVar aggregate classification (germline): Uncertain significance (1 of 4 stars; one submission).

Conditions:
Hereditary cancer-predisposing syndrome. Also called: Tumor predisposition; Neoplastic Syndromes, Hereditary; Hereditary Cancer Syndrome; Hereditary neoplastic syndrome. Identifiers: Orphanet 140162, MedGen C0027672, MeSH D009386, MONDO:0015356.

Submission:

Ambry Genetics
Classification: Uncertain significance for Hereditary cancer-predisposing syndrome. Last evaluated: 2024-07-13. Review status: criteria provided, single submitter. Criteria: Ambry Variant Classification Scheme 2023. Collection method: clinical testing. Allele origin: germline.
Comment: The p.S171N variant (also known as c.512G>A), located in coding exon 3 of the FLCN gene, results from a G to A substitution at nucleotide position 512. The serine at codon 171 is replaced by asparagine, an amino acid with highly similar properties. This amino acid position is conserved. In addition, the in silico prediction for this alteration is inconclusive. Based on the available evidence, the clinical significance of this variant remains unclear.